The following is an entry in ClinVar:

NM_004082.5(DCTN1):c.1316T>C (p.Met439Thr)

Gene: DCTN1 (dynactin subunit 1; minus strand). Cytogenetic location: 2p13.1.
Variant type: single nucleotide variant.
Coding change: c.1316T>C on transcript NM_004082.5 (MANE Select); coding-DNA position 1316, T replaced by C.
Protein change: p.Met439Thr; replaces methionine 439 with threonine.
Molecular consequence: missense variant. On other transcripts: non-coding transcript variant (1).
Genome position (GRCh38, 1-based): chr2:74,370,041, A>G on the plus strand (T>C on the coding strand, the complement: DCTN1 is on the minus strand). VCF-style: chr2-74370041-A-G. GRCh37 (hg19) VCF-style: chr2-74597168-A-G.
Other names: p.Met439Thr; c.1256T>C, p.Met419Thr (NM_001135040.3); c.914T>C, p.Met305Thr (NM_001135041.3, NM_023019.4); c.1205T>C, p.Met402Thr (NM_001190836.2); c.1295T>C, p.Met432Thr (NM_001190837.2); c.1265T>C, p.Met422Thr (NM_001378991.1); c.1247T>C, p.Met416Thr (NM_001378992.1); short protein forms M419T, M305T, M402T, M432T, M439T, M416T, M422T.
Identifiers: ClinVar variation 657980 (VCV000657980.13), dbSNP rs1573161529, ClinGen allele CA347360092.

ClinVar aggregate classification (germline): Uncertain significance. Review status: criteria provided, multiple submitters, no conflicts (2 of 4 stars). 3 submissions from 3 submitters: Uncertain significance (3). Last evaluated 2026-07-13.

Conditions:
Inborn genetic diseases. Identifiers: MedGen C0950123, MeSH D030342.
Amyotrophic lateral sclerosis type 1 (ALS1). Also called: AMYOTROPHIC LATERAL SCLEROSIS 1, FAMILIAL. Identifiers: Orphanet 803, MedGen C1862939, MONDO:0007103, OMIM 105400.
Neuronopathy, distal hereditary motor, type 7B. Also called: HMN VIIB; LOWER MOTOR NEURON DISEASE, DYNACTIN TYPE; Distal Hereditary Motor Neuronopathy Type 7B (dHMN7B); NEURONOPATHY, DISTAL HEREDITARY MOTOR, AUTOSOMAL DOMINANT 14; NEURONOPATHY, DISTAL HEREDITARY MOTOR, HARDING TYPE VIIB; NEUROPATHY, DISTAL HEREDITARY MOTOR, HARDING TYPE VIIB. Identifiers: Orphanet 139589, MedGen C1843315, MONDO:0011879, OMIM 607641.
Perry syndrome. Also called: PARKINSONISM WITH ALVEOLAR HYPOVENTILATION AND MENTAL DEPRESSION. Identifiers: Orphanet 178509, MedGen C1868594, MONDO:0008201, OMIM 168605.

Allele frequency attached by ClinVar (database versions not stated): gnomAD exomes 0.00001.
gnomAD v4.1: 14 of 1,614,162 alleles (0.00087%); highest among the groups gnomAD compares: Non-Finnish European, 0.0011%; no homozygotes.

Submissions (3):

Ambry Genetics
Classification: Uncertain significance for Inborn genetic diseases. Last evaluated: 2026-07-13. Review status: criteria provided, single submitter. Criteria: Ambry Variant Classification Scheme 2023. Collection method: clinical testing. Allele origin: germline.

Mayo Clinic Laboratories, Mayo Clinic
Classification: Uncertain significance. Last evaluated: 2024-07-26. Review status: criteria provided, single submitter. Criteria: ACMG Guidelines, 2015. Collection method: clinical testing. Allele origin: germline. Observed: 1 variant allele.
Comment: PP3

Labcorp Genetics (formerly Invitae), Labcorp
Classification: Uncertain significance for Amyotrophic lateral sclerosis type 1; Neuronopathy, distal hereditary motor, type 7B; Perry syndrome. Last evaluated: 2023-11-27. Review status: criteria provided, single submitter. Criteria: Invitae Variant Classification Sherloc (09022015). Collection method: clinical testing. Allele origin: germline.
Comment: This sequence change replaces methionine, which is neutral and non-polar, with threonine, which is neutral and polar, at codon 439 of the DCTN1 protein (p.Met439Thr). This variant is not present in population databases (gnomAD no frequency). This variant has not been reported in the literature in individuals affected with DCTN1-related conditions. ClinVar contains an entry for this variant (Variation ID: 657980). Advanced modeling of protein sequence and biophysical properties (such as structural, functional, and spatial information, amino acid conservation, physicochemical variation, residue mobility, and thermodynamic stability) performed at Invitae indicates that this missense variant is expected to disrupt DCTN1 protein function with a positive predictive value of 80%. In summary, the available evidence is currently insufficient to determine the role of this variant in disease. Therefore, it has been classified as a Variant of Uncertain Significance.